The following is an entry in ClinVar:

ClinVar aggregate classification (germline): Pathogenic (1 of 4 stars; one submission).

Conditions:
Polycystic kidney disease 2 (PKD2). Also called: Polycystic Kidney Disease 2, Autosomal Dominant; POLYCYSTIC KIDNEY DISEASE, ADULT, TYPE II; POLYCYSTIC KIDNEY DISEASE 2 WITH OR WITHOUT POLYCYSTIC LIVER DISEASE. Identifiers: MedGen C2751306, MONDO:0013131, OMIM 613095.

Submission:

MVZ Medizinische Genetik Mainz
Classification: Pathogenic for Polycystic kidney disease 2. Last evaluated: 2024-06-06. Review status: criteria provided, single submitter. Criteria: UK Practice Guidelines For Variant Classification V4 01 2020. Collection method: clinical testing. Allele origin: germline. Inheritance: Autosomal dominant inheritance. Affected: yes. Observed: 1 variant allele.
Comment: ACMG Criteria: PVS1,PM2_SUP,PP4

NM_000297.4(PKD2):c.210_211del (p.Ala71fs)

Genes: PKD2 (polycystin 2, transient receptor potential cation channel; plus strand), LOC129992813 (ATAC-STARR-seq lymphoblastoid silent region 15559; plus strand). Cytogenetic location: 4q22.1.
Variant type: Deletion.
Coding change: c.210_211del on transcript NM_000297.4 (MANE Select); coding-DNA positions 210 to 211, 2 bases deleted (AG; older notation c.210_211delAG).
Protein change: p.Ala71fs; shifts the reading frame from alanine 71.
Molecular consequence: frameshift variant. On other transcripts: non-coding transcript variant (1).
Genome position (GRCh38, 1-based): chr4:88,007,943-88,007,944, AG deleted; deleting any 2 consecutive bases within chr4:88,007,942-88,007,944 gives the same sequence; the c. name uses the placement nearest the transcript's 3' end. VCF-style (leftmost placement, unchanged base first): chr4-88007941-GGA-G. GRCh37 (hg19) VCF-style: chr4-88929093-GGA-G.
Other names: short protein forms A71fs.
Identifiers: ClinVar variation 3248537 (VCV003248537.1), dbSNP rs2476357331.